The following is an entry in ClinVar:

NM_006231.4(POLE):c.5907A>C (p.Glu1969Asp)

Gene: POLE (DNA polymerase epsilon, catalytic subunit; minus strand). Cytogenetic location: 12q24.33.
Variant type: single nucleotide variant.
Coding change: c.5907A>C on transcript NM_006231.4 (MANE Select); coding-DNA position 5907, A replaced by C.
Protein change: p.Glu1969Asp; replaces glutamic acid 1969 with aspartic acid.
Molecular consequence: missense variant.
Genome position (GRCh38, 1-based): chr12:132,634,283, T>G on the plus strand (A>C on the coding strand, the complement: POLE is on the minus strand). VCF-style: chr12-132634283-T-G. GRCh37 (hg19) VCF-style: chr12-133210869-T-G.
Other names: short protein forms E1969D.
Identifiers: ClinVar variation 560847 (VCV000560847.12), dbSNP rs1060504069, ClinGen allele CA387371620.

ClinVar aggregate classification (germline): Conflicting classifications of pathogenicity. Review status: criteria provided, conflicting classifications (1 of 4 stars). 5 submissions from 5 submitters: Uncertain significance (4); Likely benign (1). Last evaluated 2025-05-30.

Conditions:
Hereditary cancer-predisposing syndrome. Also called: Tumor predisposition; Neoplastic Syndromes, Hereditary; Hereditary neoplastic syndrome; Hereditary Cancer Syndrome. Identifiers: Orphanet 140162, MedGen C0027672, MeSH D009386, MONDO:0015356.

Submissions (5):

Ambry Genetics
Classification: Likely benign for Hereditary cancer-predisposing syndrome. Last evaluated: 2025-05-30. Review status: criteria provided, single submitter. Criteria: Ambry Variant Classification Scheme 2023. Collection method: clinical testing. Allele origin: germline.

GeneDx
Classification: Uncertain significance. Last evaluated: 2025-04-10. Review status: criteria provided, single submitter. Criteria: GeneDx Variant Classification Process June 2021. Collection method: clinical testing. Allele origin: germline.
Comment: Not observed at significant frequency in large population cohorts (gnomAD); In silico analysis indicates that this missense variant does not alter protein structure/function; Has not been previously published as pathogenic or benign to our knowledge

Labcorp Genetics (formerly Invitae), Labcorp
Classification: Uncertain significance. Last evaluated: 2024-06-20. Review status: criteria provided, single submitter. Criteria: Invitae Variant Classification Sherloc (09022015). Collection method: clinical testing. Allele origin: germline.
Comment: This sequence change replaces glutamic acid, which is acidic and polar, with aspartic acid, which is acidic and polar, at codon 1969 of the POLE protein (p.Glu1969Asp). This variant is not present in population databases (gnomAD no frequency). This variant has not been reported in the literature in individuals affected with POLE-related conditions. ClinVar contains an entry for this variant (Variation ID: 560847). An algorithm developed to predict the effect of missense changes on protein structure and function (PolyPhen-2) suggests that this variant is likely to be tolerated. In summary, the available evidence is currently insufficient to determine the role of this variant in disease. Therefore, it has been classified as a Variant of Uncertain Significance.

Quest Diagnostics Nichols Institute San Juan Capistrano
Classification: Uncertain significance. Last evaluated: 2017-09-08. Review status: criteria provided, single submitter. Criteria: Quest Diagnostics criteria. Collection method: clinical testing. Allele origin: germline.

PreventionGenetics, part of Exact Sciences
Classification: Uncertain significance. Last evaluated: 2017-06-07. Review status: criteria provided, single submitter. Criteria: ACMG Guidelines, 2015. Collection method: clinical testing. Allele origin: germline.